The following is an entry in ClinVar:

NM_138576.4(BCL11B):c.1656C>T (p.Pro552=)

Gene: BCL11B (BCL11 transcription factor B; minus strand). Cytogenetic location: 14q32.2.
Variant type: single nucleotide variant.
Coding change: c.1656C>T on transcript NM_138576.4 (MANE Select); coding-DNA position 1656, C replaced by T.
Protein change: p.Pro552=; no amino-acid change (proline 552 retained).
Molecular consequence: synonymous variant.
Genome position (GRCh38, 1-based): chr14:99,175,180, G>A on the plus strand (C>T on the coding strand, the complement: BCL11B is on the minus strand). VCF-style: chr14-99175180-G-A. GRCh37 (hg19) VCF-style: chr14-99641517-G-A.
Other names: c.1653C>T, p.Pro551= (NM_001282237.2); c.1440C>T, p.Pro480= (NM_001282238.2); c.1443C>T, p.Pro481= (NM_022898.3); c.1443C>T (NM_022898.2).
Identifiers: ClinVar variation 1545113 (VCV001545113.10), dbSNP rs749263941, ClinGen allele CA7339630.

ClinVar aggregate classification (germline): Likely benign. Review status: criteria provided, single submitter (1 of 4 stars). 2 submissions from 2 submitters: Likely benign (1). 1 of the submissions does not count toward it. Last evaluated 2025-10-15.

Conditions:
BCL11B-related disorder. Also called: BCL11B-Related Disorders.

Allele frequency attached by ClinVar (database versions not stated): gnomAD 0.00003 and 0.00004; ExAC 0.00005.
gnomAD v4.1: 22 of 1,577,444 alleles (0.0014%); highest among the groups gnomAD compares: Admixed American, 0.0054%; no homozygotes.

Submissions (2):

Labcorp Genetics (formerly Invitae), Labcorp
Classification: Likely benign. Last evaluated: 2025-10-15. Review status: criteria provided, single submitter. Criteria: Invitae Variant Classification Sherloc (09022015). Collection method: clinical testing. Allele origin: germline.

PreventionGenetics, part of Exact Sciences
Classification: Likely benign for BCL11B-related condition. Last evaluated: 2019-03-04. Review status: no assertion criteria provided. Collection method: clinical testing. Allele origin: germline. Not counted in ClinVar's aggregate classification.
Comment: This variant is classified as likely benign based on ACMG/AMP sequence variant interpretation guidelines (Richards et al. 2015 PMID: 25741868, with internal and published modifications).